The following is an entry in ClinVar:

NM_016169.4(SUFU):c.1016_1022+11dup

Gene: SUFU (SUFU negative regulator of hedgehog signaling; plus strand). Cytogenetic location: 10q24.32.
Variant type: Duplication.
Coding change: c.1016_1022+11dup on transcript NM_016169.4 (MANE Select); coding-DNA position 1016 through 11 bases into the intron after coding-DNA position 1022, 18 bases duplicated (GGGCCCCGTAAGTTCCCC).
Molecular consequence: splice donor variant.
Genome position (GRCh38, 1-based): chr10:102,599,538-102,599,555, GGGCCCCGTAAGTTCCCC duplicated; duplicating any 18 consecutive bases within chr10:102,599,536-102,599,555 gives the same sequence; the c. name uses the placement nearest the transcript's 3' end. VCF-style (leftmost placement, unchanged base first): chr10-102599535-A-ACCGGGCCCCGTAAGTTCC. GRCh37 (hg19) VCF-style: chr10-104359292-A-ACCGGGCCCCGTAAGTTCC.
Other names: c.1016_1022+11dup (NM_001178133.2).
Identifiers: ClinVar variation 4551706 (VCV004551706.1).

ClinVar aggregate classification (germline): Uncertain significance (1 of 4 stars; one submission).

Conditions:
Hereditary cancer-predisposing syndrome. Also called: Tumor predisposition; Hereditary Cancer Syndrome; Hereditary neoplastic syndrome; Neoplastic Syndromes, Hereditary. Identifiers: Orphanet 140162, MedGen C0027672, MeSH D009386, MONDO:0015356.

Submission:

Ambry Genetics
Classification: Uncertain significance for Hereditary cancer-predisposing syndrome. Last evaluated: 2025-11-07. Review status: criteria provided, single submitter. Criteria: Ambry Variant Classification Scheme 2023. Collection method: clinical testing. Allele origin: germline.
Comment: The c.1016_1022+11dup18 variant results from a duplication of 18 nucleotide(s) between positions c.1016 and c.1022+11 and involves the canonical splice donor site after coding exon 8 of the SUFU gene. In silico splice site analysis predicts that this alteration will not have any significant effect on splicing; however, the exact impact of this duplication on splicing and function is currently unknown. The canonical splice donor site is highly conserved in available vertebrate species. Based on the available evidence, the clinical significance of this variant remains unclear.